The following is an entry in ClinVar:

ClinVar aggregate classification (germline): Uncertain significance (1 of 4 stars; one submission).

Conditions:
Dilated cardiomyopathy 1W (CMD1W). Identifiers: Orphanet 154, MedGen C1969639, MONDO:0012667, OMIM 611407.

Allele frequency attached by ClinVar (database versions not stated): gnomAD exomes 0.00001.
gnomAD v4.1: 6 of 1,614,140 alleles (0.00037%); highest among the groups gnomAD compares: Non-Finnish European, 0.00051%; no homozygotes.

Submission:

Labcorp Genetics (formerly Invitae), Labcorp
Classification: Uncertain significance for Dilated cardiomyopathy 1W. Last evaluated: 2017-09-16. Review status: criteria provided, single submitter. Criteria: Invitae Variant Classification Sherloc (09022015). Collection method: clinical testing. Allele origin: germline.
Comment: This variant has not been reported in the literature in individuals with VCL-related disease. In summary, the available evidence is currently insufficient to determine the role of this variant in disease. Therefore, it has been classified as a Variant of Uncertain Significance. Algorithms developed to predict the effect of missense changes on protein structure and function (SIFT, PolyPhen-2, Align-GVGD) all suggest that this variant is likely to be tolerated, but these predictions have not been confirmed by published functional studies and their clinical significance is uncertain. This variant is not present in population databases (ExAC no frequency). This sequence change replaces methionine with threonine at codon 900 of the VCL protein (p.Met900Thr). The methionine residue is moderately conserved and there is a moderate physicochemical difference between methionine and threonine.

NM_014000.3(VCL):c.2699T>C (p.Met900Thr)

Gene: VCL (vinculin; plus strand). Cytogenetic location: 10q22.2.
Variant type: single nucleotide variant.
Coding change: c.2699T>C on transcript NM_014000.3 (MANE Select); coding-DNA position 2699, T replaced by C.
Protein change: p.Met900Thr; replaces methionine 900 with threonine.
Molecular consequence: missense variant.
Genome position (GRCh38, 1-based): chr10:74,109,110, T>C. VCF-style: chr10-74109110-T-C. GRCh37 (hg19) VCF-style: chr10-75868868-T-C.
Other names: c.2699T>C, p.Met900Thr (NM_003373.4); short protein forms M900T.
Identifiers: ClinVar variation 536702 (VCV000536702.7), dbSNP rs1554819236, ClinGen allele CA377264398.